The following is an entry in ClinVar:

ClinVar aggregate classification (germline): Likely benign. Review status: criteria provided, multiple submitters, no conflicts (2 of 4 stars). 2 submissions from 2 submitters: Likely benign (2). Last evaluated 2024-10-09.

Conditions:
Atypical hemolytic-uremic syndrome with I factor anomaly. Also called: HEMOLYTIC UREMIC SYNDROME, ATYPICAL, SUSCEPTIBILITY TO, 3; AHUS, SUSCEPTIBILITY TO, 3. Identifiers: Orphanet 2134, MedGen C2752039, MONDO:0013041, OMIM 612923.

Allele frequency attached by ClinVar (database versions not stated): TOPMed 0.00001; ExAC 0.00003; gnomAD exomes 0.00003.

Submissions (2):

Labcorp Genetics (formerly Invitae), Labcorp
Classification: Likely benign. Last evaluated: 2024-10-09. Review status: criteria provided, single submitter. Criteria: Invitae Variant Classification Sherloc (09022015). Collection method: clinical testing. Allele origin: germline.

Illumina Laboratory Services, Illumina
Classification: Likely benign for Atypical hemolytic-uremic syndrome with I factor anomaly. Last evaluated: 2018-01-13. Review status: criteria provided, single submitter. Criteria: ICSL Variant Classification Criteria 13 December 2019. Collection method: clinical testing. Allele origin: germline.
Comment: This variant was observed in the ICSL laboratory as part of a predisposition screen in an ostensibly healthy population. It had not been previously curated by ICSL or reported in the Human Gene Mutation Database (HGMD: prior to June 1st, 2018), and was therefore a candidate for classification through an automated scoring system. Utilizing variant allele frequency, disease prevalence and penetrance estimates, and inheritance mode, an automated score was calculated to assess if this variant is too frequent to cause the disease. Based on the score and internal cut-off values, a variant classified as likely benign is not then subjected to further curation. The score for this variant resulted in a classification of likely benign for this disease.

NM_000204.5(CFI):c.309C>T (p.Asn103=)

Gene: CFI (complement factor I; minus strand). Cytogenetic location: 4q25.
Variant type: single nucleotide variant.
Coding change: c.309C>T on transcript NM_000204.5 (MANE Select); coding-DNA position 309, C replaced by T.
Protein change: p.Asn103=; no amino-acid change (asparagine 103 retained).
Molecular consequence: synonymous variant. On other transcripts: non-coding transcript variant (3), intron variant (1).
Genome position (GRCh38, 1-based): chr4:109,766,573, G>A on the plus strand (C>T on the coding strand, the complement: CFI is on the minus strand). VCF-style: chr4-109766573-G-A. GRCh37 (hg19) VCF-style: chr4-110687729-G-A.
Other names: c.309C>T, p.Asn103= (NM_001318057.2, NM_001331035.2, NM_001375278.1 and 5 more transcripts); c.-127-4881C>T (NM_001375284.1).
Identifiers: ClinVar variation 347175 (VCV000347175.8), dbSNP rs761425840, ClinGen allele CA3042323.